The following is an entry in ClinVar:

NM_004174.4(SLC9A3):c.*644G>C

Genes: SLC9A3 (solute carrier family 9 member A3), SLC9A3-OT1 (SLC9A3 3' UTR overlapping transcript 1; minus strand). Cytogenetic location: 5p15.33.
Variant type: single nucleotide variant.
Coding change: c.*644G>C on transcript NM_004174.4 (MANE Select); 644 bases downstream of the stop codon, G replaced by C.
Molecular consequence: 3 prime UTR variant. On other transcripts: non-coding transcript variant (1).
Genome position (GRCh38, 1-based): chr5:472,735, C>G on the plus strand (G>C on the coding strand, the complement: SLC9A3 is on the minus strand). VCF-style: chr5-472735-C-G. GRCh37 (hg19) VCF-style: chr5-472850-C-G.
Other names: c.*644G>C (NM_001284351.3).
Identifiers: ClinVar variation 4872045 (VCV004872045.2).

ClinVar aggregate classification (germline): Likely benign (1 of 4 stars; one submission).

gnomAD v4.1: 3,678 of 575,764 alleles (0.64%); highest among the groups gnomAD compares: Non-Finnish European, 0.92%; 16 homozygotes.

Submission:

CeGaT Center for Human Genetics Tuebingen
Classification: Likely benign. Last evaluated: 2026-03-01. Review status: criteria provided, single submitter. Criteria: CeGaT Center For Human Genetics Tuebingen Variant Classification Criteria Version 2. Collection method: clinical testing. Allele origin: germline. Affected: yes. Observed: 1 variant allele.
Comment: SLC9A3-OT1: BS2